The following is an entry in ClinVar:

NM_003922.4(HERC1):c.1128T>C (p.Val376=)

Gene: HERC1 (HECT and RLD domain containing E3 ubiquitin protein ligase family member 1; minus strand). Cytogenetic location: 15q22.31.
Variant type: single nucleotide variant.
Coding change: c.1128T>C on transcript NM_003922.4 (MANE Select); coding-DNA position 1128, T replaced by C.
Protein change: p.Val376=; no amino-acid change (valine 376 retained).
Molecular consequence: synonymous variant.
Genome position (GRCh38, 1-based): chr15:63,758,268, A>G on the plus strand (T>C on the coding strand, the complement: HERC1 is on the minus strand). VCF-style: chr15-63758268-A-G. GRCh37 (hg19) VCF-style: chr15-64050467-A-G.
Identifiers: ClinVar variation 783059 (VCV000783059.46), dbSNP rs61751110, ClinGen allele CA7606530.
Genomic context (GRCh38, chr15:63,758,268, plus strand): 5'-GGGTTGCAGTATTTTCTCCTGTGTACCTTCTACCAACTGATGGCTGCTATTGCTCCCCCA[A>G]ACATAAACCTCACAGGTTTCGGAGACAATGGGAGCATCACCAGTCTGAATGCTATCTGGG-3'
Protein context (NP_003913.3, residues 366-386): PIVSETCEVY[Val376=]WGSNSSHQLV

ClinVar aggregate classification (germline): Benign/Likely benign. Review status: criteria provided, multiple submitters, no conflicts (2 of 4 stars). 2 submissions from 2 submitters: Benign (1); Likely benign (1). Last evaluated 2026-08-01.

Allele frequency attached by ClinVar (database versions not stated): 1000 Genomes Project 30x 0.00062; 1000 Genomes Project 0.00080; ESP Exome Variant Server 0.00242; gnomAD 0.00281 and 0.00289; gnomAD exomes 0.00307 and 0.00436; ExAC 0.00343; TOPMed 0.00347.
gnomAD v4.1: 6,769 of 1,613,782 alleles (0.42%); highest among the groups gnomAD compares: Non-Finnish European, 0.51%; 19 homozygotes.

Submissions (2):

CeGaT Center for Human Genetics Tuebingen
Classification: Likely benign. Last evaluated: 2026-08-01. Review status: criteria provided, single submitter. Criteria: CeGaT Center For Human Genetics Tuebingen Variant Classification Criteria Version 2. Collection method: clinical testing. Allele origin: germline. Affected: yes. Observed: 12 variant alleles.
Comment: HERC1: BP4, BP7, BS2

Labcorp Genetics (formerly Invitae), Labcorp
Classification: Benign. Last evaluated: 2026-01-12. Review status: criteria provided, single submitter. Criteria: Invitae Variant Classification Sherloc (09022015). Collection method: clinical testing. Allele origin: germline.